The following is an entry in ClinVar:

ClinVar aggregate classification (germline): Uncertain significance (1 of 4 stars; one submission).

Conditions:
Early-infantile DEE. Also called: Early infantile epileptic encephalopathy with suppression bursts; Ohtahara syndrome; Early infantile epileptic encephalopathy. Identifiers: Orphanet 1934, MedGen C0393706, MONDO:0800491.

Allele frequency attached by ClinVar (database versions not stated): gnomAD exomes 0.00001; ExAC 0.00004; TOPMed 0.00011; gnomAD 0.00015; 1000 Genomes Project 0.00020; 1000 Genomes Project 30x 0.00031; ESP Exome Variant Server 0.00038.
gnomAD v4.1: 42 of 1,614,092 alleles (0.0026%); highest among the groups gnomAD compares: African/African-American, 0.052%; no homozygotes.

Submission:

Labcorp Genetics (formerly Invitae), Labcorp
Classification: Uncertain significance for Early-infantile DEE. Last evaluated: 2025-10-01. Review status: criteria provided, single submitter. Criteria: Invitae Variant Classification Sherloc (09022015). Collection method: clinical testing. Allele origin: germline.
Comment: This sequence change replaces alanine, which is neutral and non-polar, with proline, which is neutral and non-polar, at codon 250 of the ST3GAL3 protein (p.Ala250Pro). This variant is present in population databases (rs150976790, gnomAD 0.04%). This variant has not been reported in the literature in individuals affected with ST3GAL3-related conditions. ClinVar contains an entry for this variant (Variation ID: 2076914). Invitae Evidence Modeling of protein sequence and biophysical properties (such as structural, functional, and spatial information, amino acid conservation, physicochemical variation, residue mobility, and thermodynamic stability) indicates that this missense variant is not expected to disrupt ST3GAL3 protein function with a negative predictive value of 80%. In summary, the available evidence is currently insufficient to determine the role of this variant in disease. Therefore, it has been classified as a Variant of Uncertain Significance.

NM_006279.5(ST3GAL3):c.748G>C (p.Ala250Pro)

Gene: ST3GAL3 (ST3 beta-galactoside alpha-2,3-sialyltransferase 3; plus strand). Cytogenetic location: 1p34.1.
Variant type: single nucleotide variant.
Coding change: c.748G>C on transcript NM_006279.5 (MANE Select); coding-DNA position 748, G replaced by C.
Protein change: p.Ala250Pro; replaces alanine 250 with proline.
Molecular consequence: missense variant. On other transcripts: non-coding transcript variant (6), intron variant (12).
Genome position (GRCh38, 1-based): chr1:43,920,407, G>C. VCF-style: chr1-43920407-G-C. GRCh37 (hg19) VCF-style: chr1-44386079-G-C.
Other names: c.655G>C, p.Ala219Pro (NM_001270460.2); c.793G>C, p.Ala265Pro (NM_001350619.2, NM_174964.4); c.748G>C, p.Ala250Pro (NM_001350620.2); c.469G>C, p.Ala157Pro (NM_001350621.2); c.700G>C, p.Ala234Pro (NM_001410781.1, NM_174969.4); c.955G>C, p.Ala319Pro (NM_174963.5); c.910G>C, p.Ala304Pro (NM_174968.5); c.862G>C, p.Ala288Pro (NM_174971.5); and 12 more; short protein forms A265P, A288P, A157P, A250P, A304P, A219P, A234P, A319P.
Identifiers: ClinVar variation 2076914 (VCV002076914.2), dbSNP rs150976790, ClinGen allele CA814811.